The following is an entry in ClinVar:

NC_000015.10:g.(?_48444521)_(48445524_?)del

Gene: FBN1 (fibrillin 1; minus strand). Cytogenetic location: 15q21.1.
Variant type: Deletion.
Identifiers: ClinVar variation 527236 (VCV000527236.1).

ClinVar aggregate classification (germline): Likely pathogenic (1 of 4 stars; one submission).

Conditions:
Familial thoracic aortic aneurysm and aortic dissection (TAAD). Also called: Thoracic aortic aneurysms and dissections. Identifiers: Orphanet 91387, MedGen C4707243, MONDO:0019625.
Marfan syndrome (MFS). Also called: Marfan syndrome type 1; Marfan syndrome, classic; Marfan's syndrome; FBN1-Related Marfan Syndrome; MARFAN SYNDROME, TYPE I. Identifiers: Orphanet 284963, Orphanet 558, MedGen C0024796, MONDO:0007947, OMIM 154700.

Submission:

Labcorp Genetics (formerly Invitae), Labcorp
Classification: Likely pathogenic for Marfan syndrome; Familial thoracic aortic aneurysm and aortic dissection. Last evaluated: 2017-12-04. Review status: criteria provided, single submitter. Criteria: Invitae Variant Classification Sherloc (09022015). Collection method: clinical testing. Allele origin: germline.
Comment: This variant is an in-frame deletion of the genomic region encompassing exons 48-49 of the FBN1 gene. It preserves the integrity of the reading frame. This variant has not been reported in the literature in individuals with FBN1-related disease. Exons 48 and 49 code for the EGF-like domain 29 and 30, respectively. Similar single-exon subgenic deletions affecting entire EGF-like domains have been reported in individuals affected with Marfan syndrome (PMID: 25907466,Â¬â€ 25944730, 11175294, 18412115). In summary, the currently available evidence indicates that the variant is pathogenic, but additional data are needed to prove that conclusively. Therefore, this variant has been classified as Likely Pathogenic.

Literature cited by the submitters: PubMed 25907466.